The following is an entry in ClinVar:

NM_001330260.2(SCN8A):c.3147C>T (p.Thr1049=)

Gene: SCN8A (sodium voltage-gated channel alpha subunit 8; plus strand). Cytogenetic location: 12q13.13.
Variant type: single nucleotide variant.
Coding change: c.3147C>T on transcript NM_001330260.2 (MANE Select); coding-DNA position 3147, C replaced by T.
Protein change: p.Thr1049=; no amino-acid change (threonine 1049 retained).
Molecular consequence: synonymous variant.
Genome position (GRCh38, 1-based): chr12:51,769,110, C>T. VCF-style: chr12-51769110-C-T. GRCh37 (hg19) VCF-style: chr12-52162894-C-T.
Other names: c.3147C>T, p.Thr1049= (NM_001177984.3, NM_001369788.1, NM_014191.4).
Identifiers: ClinVar variation 382491 (VCV000382491.17), dbSNP rs567527548, ClinGen allele CA6571552.

ClinVar aggregate classification (germline): Likely benign. Review status: criteria provided, multiple submitters, no conflicts (2 of 4 stars). 4 submissions from 4 submitters: Likely benign (4). Last evaluated 2026-09-01.

Conditions:
Early-infantile DEE. Also called: Early infantile epileptic encephalopathy with suppression bursts; Early infantile epileptic encephalopathy; Ohtahara syndrome. Identifiers: Orphanet 1934, MedGen C0393706, MONDO:0800491.

Allele frequency attached by ClinVar (database versions not stated): gnomAD 0.00003 and 0.00004; gnomAD exomes 0.00004 and 0.00002; TOPMed 0.00005; ExAC 0.00007; 1000 Genomes Project 30x 0.00016; 1000 Genomes Project 0.00020.
gnomAD v4.1: 39 of 1,613,448 alleles (0.0024%); highest among the groups gnomAD compares: Middle Eastern, 0.017%; no homozygotes.

Submissions (4):

CeGaT Center for Human Genetics Tuebingen
Classification: Likely benign. Last evaluated: 2026-09-01. Review status: criteria provided, single submitter. Criteria: CeGaT Center For Human Genetics Tuebingen Variant Classification Criteria Version 2. Collection method: clinical testing. Allele origin: germline. Affected: yes. Observed: 1 variant allele.
Comment: SCN8A: BP4, BP7

Labcorp Genetics (formerly Invitae), Labcorp
Classification: Likely benign for Early-infantile DEE. Last evaluated: 2026-02-03. Review status: criteria provided, single submitter. Criteria: Invitae Variant Classification Sherloc (09022015). Collection method: clinical testing. Allele origin: germline.

Blueprint Genetics
Classification: Likely benign. Last evaluated: 2022-08-15. Review status: criteria provided, single submitter. Criteria: ACMG Guidelines, 2015. Collection method: clinical testing. Allele origin: germline.

GeneDx
Classification: Likely benign. Last evaluated: 2021-05-04. Review status: criteria provided, single submitter. Criteria: GeneDx Variant Classification Process June 2021. Collection method: clinical testing. Allele origin: germline. Affected: yes.